The following is an entry in ClinVar:

ClinVar aggregate classification (germline): Pathogenic. Review status: criteria provided, multiple submitters, no conflicts (2 of 4 stars). 13 submissions from 13 submitters: Pathogenic (10). 3 of the submissions do not count toward it. Last evaluated 2026-01-17.

Conditions:
TPM2-related disorder. Also called: TPM2-related condition; TPM2-related disorders.
Congenital myopathy 23 (CMYO23). Also called: NEMALINE MYOPATHY 4; CAP MYOPATHY 2; Nemaline myopathy 4, autosomal dominant. Identifiers: MedGen C1836447, MONDO:0012240, OMIM 609285.
Arthrogryposis, distal, type 1A. Also called: ARTHROGRYPOSIS MULTIPLEX CONGENITA, DISTAL, TYPE I. Identifiers: Orphanet 1146, MedGen C6022280, MONDO:0007157, OMIM 108120.

Submissions (13):

Labcorp Genetics (formerly Invitae), Labcorp
Classification: Pathogenic for Digitotalar dysmorphism. Last evaluated: 2026-01-17. Review status: criteria provided, single submitter. Criteria: Invitae Variant Classification Sherloc (09022015). Collection method: clinical testing. Allele origin: germline.
Comment: This variant, c.415_417del, results in the deletion of 1 amino acid(s) of the TPM2 protein (p.Glu139del), but otherwise preserves the integrity of the reading frame. This variant is not present in population databases (gnomAD no frequency). This variant has been observed in individual(s) with autosomal dominant cap myopathy and nemaline myopathy (PMID: 17434307, 19345583, 23015096, 24507666, 24692096, 25127990). In at least one individual the variant was observed to be de novo. Algorithms developed to predict the effect of variants on gene product structure and function are not available or were not evaluated for this variant. Experimental studies have shown that this variant affects TPM2 function (PMID: 23886664, 25978979). For these reasons, this variant has been classified as Pathogenic.

GeneDx
Classification: Pathogenic. Last evaluated: 2025-05-22. Review status: criteria provided, single submitter. Criteria: GeneDx Variant Classification Process June 2021. Collection method: clinical testing. Allele origin: germline. Affected: yes.
Comment: Observed in multiple unrelated patients TPM3-related phenotypes in published literature (PMID: 24692096, 19345583, 17434307); Multiple published functional studies demonstrate a damaging effect (PMID: 25978979, 22084935, 23886664); In silico analysis supports a deleterious effect on protein structure/function; Not observed at significant frequency in large population cohorts (gnomAD); In-frame deletion of 1 amino acid in a non-repeat region; This variant is associated with the following publications: (PMID: 23015096, 22084935, 23886664, 25127990, 17434307, 19345583, 29196649, 32403337, 31127727, 38259611, 24692096, 25978979)

Dasa
Classification: Pathogenic. Last evaluated: 2024-11-29. Review status: criteria provided, single submitter. Criteria: DASA Assertion Criteria. Collection method: clinical testing. Allele origin: germline.
Comment: NM_003289.4(TPM2):c.415_417del (p.Glu139del) is an in-frame deletion predicted to remove glutamic acid at protein position 139 without shifting the reading frame. This variant has been reported in individuals with TPM2-related disorders (PMID: 19345583). This variant has been reported as a de novo occurrence in an affected individual (PMID: 19345583). Functional evidence supports an impact on the gene or gene product (PMID: 19345583; PMID: 25978979; PMID: 39477909; PMID: 25127990; PMID: 17434307). Also, this variant is absent from population databases. Based on the currently available evidence, this variant is classified as pathogenic.

Laboratory of Medical Genetics, National & Kapodistrian University of Athens
Classification: Pathogenic for Congenital myopathy 23. Last evaluated: 2024-03-06. Review status: criteria provided, single submitter. Criteria: ACMG Guidelines, 2015. Collection method: clinical testing. Allele origin: germline. Affected: yes.
Comment: PS3, PM1, PM2, PM4, PP5 - The variant has been reported in ClinVar as Pathogenic by other laboratories (Variation ID 12465). This variant has been previously reported as causative for congenital myopathy (PMID:24507666).

Revvity Omics, Revvity
Classification: Pathogenic. Last evaluated: 2023-09-15. Review status: criteria provided, single submitter. Criteria: ACMG Guidelines, 2015. Collection method: clinical testing. Allele origin: germline.

CeGaT Center for Human Genetics Tuebingen
Classification: Pathogenic. Last evaluated: 2023-02-01. Review status: criteria provided, single submitter. Criteria: CeGaT Center For Human Genetics Tuebingen Variant Classification Criteria Version 2. Collection method: clinical testing. Allele origin: germline. Affected: yes. Observed: 1 variant allele.
Comment: TPM2: PS2, PM2, PS3:Moderate, PS4:Moderate

Women's Health and Genetics/Laboratory Corporation of America, LabCorp
Classification: Pathogenic for Congenital myopathy 23. Last evaluated: 2022-04-07. Review status: criteria provided, single submitter. Criteria: LabCorp Variant Classification Summary - May 2015. Collection method: clinical testing. Allele origin: germline.
Comment: Variant summary: TPM2 c.415_417delGAG (p.Glu139del) results in an in-frame deletion that is predicted to remove one amino acid from the encoded protein. The variant was absent in 251480 control chromosomes. c.415_417delGAG has been reported in the literature in multiple individuals affected with Nemaline Myopathy 4 (Cap myopathy) (example, Lehtokari_2007, Clarke_2009, Tasca_2013, Citirak_2014). Some of the ascertained reports indicated a de-novo origin and at-least once instance of somatic mosaicism resulting in a milder presentation has been reported (example, Tasca_2013). These data indicate that the variant is likely to be associated with disease. At least two publications report experimental evidence that the mutant protein incorporates into sarcomeric structures, where it likely imposes a dominant-negative effect to cause muscle weakness (example, Clarke_2009) and increased myofibrillar calcium sensitivity consistent with a gain of function mechanism (example, Marston_2013). Two clinical diagnostic laboratories have submitted clinical-significance assessments for this variant to ClinVar after 2014 without evidence for independent evaluation. All laboratories classified the variant as pathogenic. Based on the evidence outlined above, the variant was classified as pathogenic.

MGZ Medical Genetics Center
Classification: Pathogenic for Congenital myopathy 23. Last evaluated: 2021-11-04. Review status: criteria provided, single submitter. Criteria: ACMG Guidelines, 2015. Collection method: clinical testing. Allele origin: germline. Affected: yes. Observed: 1 variant allele.
Comment: ACMG criteria applied: PS3, PS4_MOD, PM4, PM6, PM2_SUP

Blueprint Genetics
Classification: Pathogenic for TPM2-related disorders. Last evaluated: 2020-12-30. Review status: criteria provided, single submitter. Criteria: ACMG Guidelines, 2015. Collection method: clinical testing. Allele origin: germline. Affected: yes. Observed: 1 variant allele.

Genetic Services Laboratory, University of Chicago
Classification: Pathogenic for Nemaline myopathy 4. Last evaluated: 2016-04-28. Review status: criteria provided, single submitter. Criteria: ACMG Guidelines, 2015. Collection method: clinical testing. Allele origin: germline. Affected: yes.

PreventionGenetics, part of Exact Sciences
Classification: Pathogenic for TPM2-related condition. Last evaluated: 2024-02-15. Review status: no assertion criteria provided. Collection method: clinical testing. Allele origin: germline. Not counted in ClinVar's aggregate classification.
Comment: The TPM2 c.415_417delGAG variant is predicted to result in an in-frame deletion (p.Glu139del). This variant was reported in numerous individuals with nemaline myopathy or CAP myopathy (Lehtokari et al. 2007. PubMed ID: 17434307; Marttila et al. 2014. PubMed ID: 24692096; Table S1, Westra et al. 2019. PubMed ID: 31127727; Supplementary data, Gonzalez-Quereda et al. 2020. PubMed ID: 32403337). Functional studies showed that this variant impacts normal protein function (Marttila et al. 2012. PubMed ID: 22084935; Marston et al. 2013. PubMed ID: 23886664; Borovikov et al. 2015. PubMed ID: 25978979). This variant has not been reported in a large population database, indicating this variant is rare. This variant is interpreted as pathogenic.

OMIM
Classification: Pathogenic for CONGENITAL MYOPATHY 23. Last evaluated: 2009-05-01. Review status: no assertion criteria provided. Collection method: literature only. Allele origin: germline. Not counted in ClinVar's aggregate classification.

TPM2 homepage - Leiden Muscular Dystrophy pages
No classification provided. Review status: no classification provided. Collection method: not provided. Allele origin: de novo, germline. Not counted in ClinVar's aggregate classification.

Literature cited by the submitters: PubMed 17434307 (cited by 4 submitters); PubMed 19345583 (cited by 4 submitters); PubMed 23015096 (cited by Labcorp Genetics (formerly Invitae), Labcorp and Women's Health and Genetics/Laboratory Corporation of America, LabCorp); PubMed 24507666 (cited by Labcorp Genetics (formerly Invitae), Labcorp and Women's Health and Genetics/Laboratory Corporation of America, LabCorp); PubMed 24692096 (cited by Labcorp Genetics (formerly Invitae), Labcorp); PubMed 25127990 (cited by Labcorp Genetics (formerly Invitae), Labcorp and Dasa); PubMed 23886664 (cited by Labcorp Genetics (formerly Invitae), Labcorp and Women's Health and Genetics/Laboratory Corporation of America, LabCorp); PubMed 25978979 (cited by Labcorp Genetics (formerly Invitae), Labcorp and Dasa); PubMed 39477909 (cited by Dasa); PubMed 29172004 (cited by Women's Health and Genetics/Laboratory Corporation of America, LabCorp).

NM_003289.4(TPM2):c.412GAG[1] (p.Glu139del)

Gene: TPM2 (tropomyosin 2; minus strand). Cytogenetic location: 9p13.3.
Variant type: Microsatellite.
Coding change: c.412GAG[1] on transcript NM_003289.4 (MANE Select); one copy of the 3-base unit GAG starting at c.412; the reference has two copies in a row; one copy, 3 bases deleted; also written c.415_417del.
Protein change: p.Glu139del; deletes glutamic acid 139.
Molecular consequence: inframe deletion.
Genome position (GRCh38, 1-based): chr9:35,685,509-35,685,511, CTC deleted on the plus strand (GAG on the coding strand, the reverse complement: TPM2 is on the minus strand); deleting any 3 consecutive bases within chr9:35,685,509-35,685,514 gives the same sequence; the position shown is the placement nearest the transcript's 3' end. VCF-style (leftmost placement, unchanged base first): chr9-35685508-TCTC-T. GRCh37 (hg19) VCF-style: chr9-35685505-TCTC-T.
Other names: c.412GAG[1], p.Glu139del (NM_001301226.2, NM_001301227.2, NM_213674.1); c.415_417del (NM_003289.4); c.415_417delGAG (NM_003289.3); short protein forms E139del.
Identifiers: ClinVar variation 12465 (VCV000012465.47), dbSNP rs199476153, ClinGen allele CA122411.